The following is an entry in ClinVar:

ClinVar aggregate classification (germline): Benign (1 of 4 stars; one submission).

gnomAD v4.1: 49,765 of 1,613,498 alleles (3.1%); highest among the groups gnomAD compares: East Asian, 12%; 1,431 homozygotes.

Submission:

Mayo Clinic Laboratories, Mayo Clinic
Classification: Benign. Last evaluated: 2025-03-17. Review status: criteria provided, single submitter. Criteria: ACMG Guidelines, 2015. Collection method: clinical testing. Allele origin: germline. Observed: 28 variant alleles.
Comment: BS1, BS2

Literature cited by the submitters: PubMed 18364470; PubMed 27659809; PubMed 29530601; PubMed 34693929.

NM_005845.5(ABCC4):c.559G>T (p.Gly187Trp)

Gene: ABCC4 (ATP binding cassette subfamily C member 4 (PEL blood group); minus strand). Cytogenetic location: 13q32.1.
Variant type: single nucleotide variant.
Coding change: c.559G>T on transcript NM_005845.5 (MANE Select); coding-DNA position 559, G replaced by T.
Protein change: p.Gly187Trp; replaces glycine 187 with tryptophan.
Molecular consequence: missense variant.
Genome position (GRCh38, 1-based): chr13:95,210,754, C>A on the plus strand (G>T on the coding strand, the complement: ABCC4 is on the minus strand). VCF-style: chr13-95210754-C-A. GRCh37 (hg19) VCF-style: chr13-95863008-C-A.
Other names: p.Gly187Trp; c.559G>T, p.Gly187Trp (NM_001105515.3, NM_001301829.2); c.334G>T, p.Gly112Trp (NM_001301830.2); short protein forms G112W, G187W.
Identifiers: ClinVar variation 4683823 (VCV004683823.1).